The following is an entry in ClinVar:

ClinVar aggregate classification (germline): Pathogenic (1 of 4 stars; one submission).

Submission:

Labcorp Genetics (formerly Invitae), Labcorp
Classification: Pathogenic. Last evaluated: 2025-08-01. Review status: criteria provided, single submitter. Criteria: Invitae Variant Classification Sherloc (09022015). Collection method: clinical testing. Allele origin: germline.
Comment: This sequence change replaces glycine, which is neutral and non-polar, with alanine, which is neutral and non-polar, at codon 1994 of the ABCA4 protein (p.Gly1994Ala). This variant is not present in population databases (gnomAD no frequency). This missense change has been observed in individual(s) with Stargardt disease (internal data). Invitae Evidence Modeling of protein sequence and biophysical properties (such as structural, functional, and spatial information, amino acid conservation, physicochemical variation, residue mobility, and thermodynamic stability) indicates that this missense variant is expected to disrupt ABCA4 protein function with a positive predictive value of 95%. This variant disrupts the p.Gly1994 amino acid residue in ABCA4. Other variant(s) that disrupt this residue have been determined to be pathogenic (PMID: 32619608; internal data). This suggests that this residue is clinically significant, and that variants that disrupt this residue are likely to be disease-causing. For these reasons, this variant has been classified as Pathogenic.

Literature cited by the submitters: PubMed 32619608.

NM_000350.3(ABCA4):c.5981G>C (p.Gly1994Ala)

Gene: ABCA4 (ATP binding cassette subfamily A member 4; minus strand). Cytogenetic location: 1p22.1.
Variant type: single nucleotide variant.
Coding change: c.5981G>C on transcript NM_000350.3 (MANE Select); coding-DNA position 5981, G replaced by C.
Protein change: p.Gly1994Ala; replaces glycine 1994 with alanine.
Molecular consequence: missense variant.
Genome position (GRCh38, 1-based): chr1:94,007,658, C>G on the plus strand (G>C on the coding strand, the complement: ABCA4 is on the minus strand). VCF-style: chr1-94007658-C-G. GRCh37 (hg19) VCF-style: chr1-94473214-C-G.
Other names: c.5759G>C, p.Gly1920Ala (NM_001425324.1); short protein forms G1920A, G1994A.
Identifiers: ClinVar variation 4745893 (VCV004745893.1).